The following is an entry in ClinVar:

NM_006612.6(KIF1C):c.416C>G (p.Ser139Cys)

Gene: KIF1C (kinesin family member 1C; plus strand). Cytogenetic location: 17p13.2.
Variant type: single nucleotide variant.
Coding change: c.416C>G on transcript NM_006612.6 (MANE Select); coding-DNA position 416, C replaced by G.
Protein change: p.Ser139Cys; replaces serine 139 with cysteine.
Molecular consequence: missense variant.
Genome position (GRCh38, 1-based): chr17:5,002,111, C>G. VCF-style: chr17-5002111-C-G. GRCh37 (hg19) VCF-style: chr17-4905406-C-G.
Other names: short protein forms S139C.
Identifiers: ClinVar variation 1977290 (VCV001977290.5), dbSNP rs578027417, ClinGen allele CA8318550.

ClinVar aggregate classification (germline): Uncertain significance. Review status: criteria provided, multiple submitters, no conflicts (2 of 4 stars). 2 submissions from 2 submitters: Uncertain significance (2). Last evaluated 2024-11-11.

Conditions:
Inborn genetic diseases. Identifiers: MedGen C0950123, MeSH D030342.
Spastic ataxia 2. Also called: Ataxia, spastic, 2, autosomal recessive. Identifiers: Orphanet 397946, MedGen C1969796, MONDO:0012651, OMIM 611302.

Allele frequency attached by ClinVar (database versions not stated): gnomAD exomes 0.00001; ExAC 0.00002; gnomAD 0.00002; TOPMed 0.00011; 1000 Genomes Project 30x 0.00016; 1000 Genomes Project 0.00020.
gnomAD v4.1: 11 of 1,614,086 alleles (0.00068%); highest among the groups gnomAD compares: Admixed American, 0.01%; no homozygotes.

Submissions (2):

Ambry Genetics
Classification: Uncertain significance for Inborn genetic diseases. Last evaluated: 2024-11-11. Review status: criteria provided, single submitter. Criteria: Ambry Variant Classification Scheme 2023. Collection method: clinical testing. Allele origin: germline.

Labcorp Genetics (formerly Invitae), Labcorp
Classification: Uncertain significance for Spastic ataxia 2. Last evaluated: 2023-11-27. Review status: criteria provided, single submitter. Criteria: Invitae Variant Classification Sherloc (09022015). Collection method: clinical testing. Allele origin: germline.
Comment: This sequence change replaces serine, which is neutral and polar, with cysteine, which is neutral and slightly polar, at codon 139 of the KIF1C protein (p.Ser139Cys). This variant is present in population databases (rs578027417, gnomAD 0.006%). This variant has not been reported in the literature in individuals affected with KIF1C-related conditions. ClinVar contains an entry for this variant (Variation ID: 1977290). Advanced modeling of protein sequence and biophysical properties (such as structural, functional, and spatial information, amino acid conservation, physicochemical variation, residue mobility, and thermodynamic stability) performed at Invitae indicates that this missense variant is not expected to disrupt KIF1C protein function with a negative predictive value of 80%. In summary, the available evidence is currently insufficient to determine the role of this variant in disease. Therefore, it has been classified as a Variant of Uncertain Significance.